The following is an entry in ClinVar:

NM_002730.4(PRKACA):c.601G>A (p.Gly201Ser)

Gene: PRKACA (protein kinase cAMP-activated catalytic subunit alpha; minus strand). Cytogenetic location: 19p13.12.
Variant type: single nucleotide variant.
Coding change: c.601G>A on transcript NM_002730.4 (MANE Select); coding-DNA position 601, G replaced by A.
Protein change: p.Gly201Ser; replaces glycine 201 with serine.
Molecular consequence: missense variant.
Genome position (GRCh38, 1-based): chr19:14,097,620, C>T on the plus strand (G>A on the coding strand, the complement: PRKACA is on the minus strand). VCF-style: chr19-14097620-C-T. GRCh37 (hg19) VCF-style: chr19-14208432-C-T.
Other names: c.829G>A, p.Gly277Ser (NM_001304349.2); c.577G>A, p.Gly193Ser (NM_207518.3); short protein forms G193S, G201S, G277S.
Identifiers: ClinVar variation 3368216 (VCV003368216.3).

ClinVar aggregate classification (germline): Conflicting classifications of pathogenicity. Review status: criteria provided, conflicting classifications (1 of 4 stars). 3 submissions from 3 submitters: Pathogenic (1); Likely pathogenic (1); Uncertain significance (1). Last evaluated 2026-02-23.

Conditions:
Cardioacrofacial dysplasia 1. Identifiers: MedGen C5436885, MONDO:0030876, OMIM 619142.

Submissions (3):

Ambry Genetics
Classification: Uncertain significance. Last evaluated: 2026-02-23. Review status: criteria provided, single submitter. Criteria: Ambry Variant Classification Scheme 2023. Collection method: clinical testing. Allele origin: germline.

Molecular Genetics Laboratory, Motol Hospital
Classification: Pathogenic for Cardioacrofacial dysplasia 1. Last evaluated: 2026-01-06. Review status: criteria provided, single submitter. Criteria: ACMG Guidelines, 2015. Collection method: clinical testing. Allele origin: de novo. Inheritance: Sporadic. Affected: yes. Observed: 1 heterozygote.
Comment: Not present in gnomAD (v4.1.0) (PM2). Rare missense variants of the PRKACA gene are associated with autosomal dominant cardioacrofacial dysplasia 1 (CAFD1; MIM:619142). This missense variant has previously been classified as VUS without specification of an individual's phenotype and mode of inheritance (ClinVar - VCV003368216.1). Classified as likely pathogenic by Franklin (Genoox) community (associated phenotypes: abnormality of head and neck, abnormality of the cardiovascular system, abnormality of the genitourinary system, abnormality of the nervous system, abnormality of the eye, abnormality of limbs) (PP5). To conclude, the PRKACA gene variant c.601G>A is classified as pathogenic.

GeneDx
Classification: Likely pathogenic. Last evaluated: 2025-04-11. Review status: criteria provided, single submitter. Criteria: GeneDx Variant Classification Process June 2021. Collection method: clinical testing. Allele origin: germline.
Comment: Not observed at significant frequency in large population cohorts (gnomAD); In silico analysis supports that this missense variant has a deleterious effect on protein structure/function; Has not been previously published as pathogenic or benign to our knowledge

Literature cited by the submitters: PubMed 33058759 (cited by Molecular Genetics Laboratory, Motol Hospital).